The following is an entry in ClinVar:

ClinVar aggregate classification (germline): Uncertain significance. Review status: criteria provided, multiple submitters, no conflicts (2 of 4 stars). 2 submissions from 2 submitters: Uncertain significance (2). Last evaluated 2024-04-12.

Conditions:
Centromeric instability of chromosomes 1,9 and 16 and immunodeficiency (ICF1). Also called: Immunodeficiency-centromeric instability-facial anomalies; IMMUNE DEFICIENCY, VARIABLE, WITH CENTROMERIC INSTABILITY OF CHROMOSOMES 1, 9, AND 16; IMMUNODEFICIENCY SYNDROME, VARIABLE; CENTROMERIC INSTABILITY, IMMUNODEFICIENCY SYNDROME. Identifiers: Orphanet 2268, MedGen C0398788, MONDO:0000133.
Immunodeficiency-centromeric instability-facial anomalies syndrome 1 (ICF1). Identifiers: Orphanet 2268, MedGen C4551557, MONDO:0009454, OMIM 242860.
Facioscapulohumeral muscular dystrophy 4, digenic. Identifiers: MedGen C5561960, MONDO:0030355, OMIM 619478.

Allele frequency attached by ClinVar (database versions not stated): ExAC 0.00001; gnomAD exomes below 0.00001.

Submissions (2):

Fulgent Genetics
Classification: Uncertain significance for Immunodeficiency-centromeric instability-facial anomalies syndrome 1; Facioscapulohumeral muscular dystrophy 4, digenic. Last evaluated: 2024-04-12. Review status: criteria provided, single submitter. Criteria: ACMG Guidelines, 2015. Collection method: clinical testing. Allele origin: germline.

Labcorp Genetics (formerly Invitae), Labcorp
Classification: Uncertain significance for Centromeric instability of chromosomes 1,9 and 16 and immunodeficiency. Last evaluated: 2022-05-19. Review status: criteria provided, single submitter. Criteria: Invitae Variant Classification Sherloc (09022015). Collection method: clinical testing. Allele origin: germline.
Comment: This variant is present in population databases (rs748988879, gnomAD 0.0009%). In summary, the available evidence is currently insufficient to determine the role of this variant in disease. Therefore, it has been classified as a Variant of Uncertain Significance. Algorithms developed to predict the effect of missense changes on protein structure and function are either unavailable or do not agree on the potential impact of this missense change (SIFT: "Deleterious"; PolyPhen-2: "Benign"; Align-GVGD: "Class C15"). ClinVar contains an entry for this variant (Variation ID: 655698). This variant has not been reported in the literature in individuals affected with DNMT3B-related conditions. This sequence change replaces valine, which is neutral and non-polar, with methionine, which is neutral and non-polar, at codon 628 of the DNMT3B protein (p.Val628Met).

NM_006892.4(DNMT3B):c.1882G>A (p.Val628Met)

Gene: DNMT3B (DNA methyltransferase 3 beta; plus strand). Cytogenetic location: 20q11.21.
Variant type: single nucleotide variant.
Coding change: c.1882G>A on transcript NM_006892.4 (MANE Select); coding-DNA position 1882, G replaced by A.
Protein change: p.Val628Met; replaces valine 628 with methionine.
Molecular consequence: missense variant.
Genome position (GRCh38, 1-based): chr20:32,800,275, G>A. VCF-style: chr20-32800275-G-A. GRCh37 (hg19) VCF-style: chr20-31388081-G-A.
Other names: c.1696G>A, p.Val566Met (NM_001207055.2); c.1594G>A, p.Val532Met (NM_001207056.2); c.1822G>A, p.Val608Met (NM_175848.2, NM_175849.2); c.1858G>A, p.Val620Met (NM_175850.3); short protein forms V532M, V566M, V620M, V608M, V628M.
Identifiers: ClinVar variation 655698 (VCV000655698.11), dbSNP rs748988879, ClinGen allele CA9810736.
Genomic context (GRCh38, chr20:32,800,275, plus strand): 5'-GAGGAGTCCATTGCTGTTGGAACCGTGAAGCACGAGGGGAATATCAAATACGTGAACGAC[G>A]TGAGGAACATCACAAAGAAAAATGTGAGGGCAGTCTGTACCTTGCGGGCCTCATCTCTTC-3'
Protein context (NP_008823.1, residues 618-638): HEGNIKYVND[Val628Met]RNITKKNIEE